The following is an entry in ClinVar:

NM_005236.3(ERCC4):c.706T>C (p.Cys236Arg)

Gene: ERCC4 (ERCC excision repair 4, endonuclease catalytic subunit; plus strand). Cytogenetic location: 16p13.12.
Variant type: single nucleotide variant.
Coding change: c.706T>C on transcript NM_005236.3 (MANE Select); coding-DNA position 706, T replaced by C.
Protein change: p.Cys236Arg; replaces cysteine 236 with arginine.
Molecular consequence: missense variant.
Genome position (GRCh38, 1-based): chr16:13,928,149, T>C. VCF-style: chr16-13928149-T-C. GRCh37 (hg19) VCF-style: chr16-14022006-T-C.
Other names: short protein forms C236R.
Identifiers: ClinVar variation 55827 (VCV000055827.7), dbSNP rs397509403, ClinGen allele CA143938.

ClinVar aggregate classification (germline): Pathogenic/Likely pathogenic. Review status: criteria provided, multiple submitters, no conflicts (2 of 4 stars). 4 submissions from 4 submitters: Pathogenic (2); Likely pathogenic (1). 1 of the submissions does not count toward it. Last evaluated 2026-05-29.

Conditions:
Fanconi anemia complementation group Q. Identifiers: Orphanet 84, MedGen C3808988, MONDO:0014108, OMIM 615272.
Xeroderma pigmentosum, type F/Cockayne syndrome. Identifiers: MedGen C3806565, MONDO:0800313.
Xeroderma pigmentosum, group F (XPF). Also called: XERODERMA PIGMENTOSUM, COMPLEMENTATION GROUP F; ERCC4-Related Xeroderma Pigmentosum; XERODERMA PIGMENTOSUM VI; XP, GROUP F; XERODERMA PIGMENTOSUM, TYPE F; Xeroderma pigmentosum, type 6. Identifiers: MedGen C0268140, MONDO:0010215, OMIM 278760.

Allele frequency attached by ClinVar (database versions not stated): gnomAD 0.00001; gnomAD exomes 0.00001.
gnomAD v4.1: 18 of 1,613,422 alleles (0.0011%); highest among the groups gnomAD compares: Non-Finnish European, 0.0014%; no homozygotes.

Submissions (4):

Victorian Clinical Genetics Services, Murdoch Childrens Research Institute
Classification: Pathogenic for Fanconi anemia complementation group Q. Last evaluated: 2026-05-29. Review status: criteria provided, single submitter. Criteria: ACMG Guidelines, 2015. Collection method: clinical testing. Allele origin: germline. Affected: yes.
Comment: This variant is classified as Pathogenic. Evidence in support of pathogenic classification: Variant is present in gnomAD <0.01 for a recessive condition (v4: 18 heterozygote(s), 0 homozygote(s)); This variant has moderate previous evidence of pathogenicity in unrelated individuals. It has been reported in two unrelated affected individuals: one with Cockayne syndrome who is also heterozygous for p.(Tyr557*) and one with a combined XPCS phenotype and features of Fanconi anaemia who is also heterozygous for p.(Arg589Trp). In addition, this variant has been reported as likely pathogenic/pathogenic by clinical laboratories in ClinVar; This variant has strong functional evidence supporting abnormal protein function. Expression of ERCC4 c.706T>C cDNA failed to restore the recovery of RNA synthesis (RRS) in ERCC4-deficient cells from an affected individual (PMID: 23623389). Purified recombinant ERCC1-ERCC4 protein complexes were analysed and significant reduction of the endonuclease activity was shown in the p.Cys236Arg altered complex (PMID: 23623389). In addition, hypersensitivity to UV irradiation and mitomycin C, and reduced unscheduled DNA synthesis and RRS levels were shown when this variant was expressed in ERCC4 knockout cells (PMID: 30165384); Missense variant predicted to be damaging by in silico tool(s) or highly conserved with a major amino acid change; Heterozygous variant detected in trans with a second PATHOGENIC heterozygous variant (NM_005236.3(ERCC4):c.307_308del; p.(Gln103Argfs*9)) in a recessive disease. Additional information: Variant is predicted to result in a missense amino acid change from Cys to Arg; This variant is heterozygous; This gene is associated with autosomal recessive disease; No published segregation evidence has been identified for this variant; No comparable missense variants have previous evidence for pathogenicity; Variant is located in the annotated SF2 helicase domain (PMID: 23623389); Loss of function is a known mechanism of disease in this and is associated with ERCC4-related disease.

Neuberg Centre For Genomic Medicine, NCGM
Classification: Pathogenic for Xeroderma pigmentosum, group F. Last evaluated: 2023-07-22. Review status: criteria provided, single submitter. Criteria: ACMG Guidelines, 2015. Collection method: clinical testing. Allele origin: germline. Inheritance: Autosomal recessive inheritance. Affected: yes.
Comment: The missense c.706T>C p.Cys236Arg variant in ERCC4 gene has been reported in compound heterozygous state in multiple individuals affected with ERCC4 associated disorders / Xeroderma pigmentosum, type F / Cockayne syndrome Kashiyama et. al., 2013; M. Poot et. al., 2014; Mariangelaet. al., 2018. Experimental studies have shown damaging effect of this variant on ERCC4 gene function Kashiyama et. al., 2013. The p.Cys236Arg variant is absent in gnomAD Exomes. This variant has been submitted to the ClinVar database as Uncertain Significance / Pathogenic. Multiple lines of computational evidence Polyphen - Probably damaging, SIFT - Damaging and MutationTaster - Disease causing predict a damaging effect on protein structure and function for this variant. The reference amino acid at this position on ERCC4 gene is predicted as conserved by GERP++ and PhyloP across 100 vertebrates. The amino acid Cys at position 236 is changed to a Arg changing protein sequence and it might alter its composition and physico-chemical properties. For these reasons, this variant has been classified as Pathogenic.

GeneDx
Classification: Likely pathogenic. Last evaluated: 2021-06-16. Review status: criteria provided, single submitter. Criteria: GeneDx Variant Classification Process June 2021. Collection method: clinical testing. Allele origin: germline. Affected: yes.
Comment: Not observed at significant frequency in large population cohorts (Lek et al., 2016); In silico analysis supports that this missense variant has a deleterious effect on protein structure/function; This variant is associated with the following publications: (PMID: 32111838, 27535533, 30658521, 30165384, 23623389)

OMIM
Classification: Pathogenic for XERODERMA PIGMENTOSUM, TYPE F/COCKAYNE SYNDROME. Last evaluated: 2013-05-02. Review status: no assertion criteria provided. Collection method: literature only. Allele origin: germline. Not counted in ClinVar's aggregate classification.

Literature cited by the submitters: PubMed 30165384 (cited by Victorian Clinical Genetics Services, Murdoch Childrens Research Institute); PubMed 23623389 (cited by Victorian Clinical Genetics Services, Murdoch Childrens Research Institute and OMIM).